The following is an entry in ClinVar:

ClinVar aggregate classification (germline): Uncertain significance (1 of 4 stars; one submission).

Conditions:
Hereditary cancer-predisposing syndrome. Also called: Neoplastic Syndromes, Hereditary; Tumor predisposition; Hereditary Cancer Syndrome; Hereditary neoplastic syndrome. Identifiers: Orphanet 140162, MedGen C0027672, MeSH D009386, MONDO:0015356.

Allele frequency attached by ClinVar (database versions not stated): gnomAD exomes below 0.00001.
gnomAD v4.1: 1 of 1,614,194 alleles (0.000062%); highest among the groups gnomAD compares: Non-Finnish European, 0.000085%; no homozygotes.

Submission:

Ambry Genetics
Classification: Uncertain significance for Hereditary cancer-predisposing syndrome. Last evaluated: 2022-08-04. Review status: criteria provided, single submitter. Criteria: Ambry Variant Classification Scheme 2023. Collection method: clinical testing. Allele origin: germline.
Comment: The p.V603L variant (also known as c.1807G>C), located in coding exon 14 of the BAP1 gene, results from a G to C substitution at nucleotide position 1807. The valine at codon 603 is replaced by leucine, an amino acid with highly similar properties. This amino acid position is conserved. In addition, this alteration is predicted to be tolerated by in silico analysis. Since supporting evidence is limited at this time, the clinical significance of this alteration remains unclear.

NM_004656.4(BAP1):c.1807G>C (p.Val603Leu)

Gene: BAP1 (BRCA1 associated deubiquitinase 1; minus strand). Cytogenetic location: 3p21.1.
Variant type: single nucleotide variant.
Coding change: c.1807G>C on transcript NM_004656.4 (MANE Select); coding-DNA position 1807, G replaced by C.
Protein change: p.Val603Leu; replaces valine 603 with leucine.
Molecular consequence: missense variant.
Genome position (GRCh38, 1-based): chr3:52,403,221, C>G on the plus strand (G>C on the coding strand, the complement: BAP1 is on the minus strand). VCF-style: chr3-52403221-C-G. GRCh37 (hg19) VCF-style: chr3-52437237-C-G.
Other names: c.1753G>C, p.Val585Leu (NM_001410772.1); short protein forms V603L, V585L.
Identifiers: ClinVar variation 1780502 (VCV001780502.2), dbSNP rs1329653090, ClinGen allele CA353098677.
Genomic context (GRCh38, chr3:52,403,221, plus strand): 5'-TCAAGGGCTCGCCAGGCCTCACCATCCCCGTCTTCTCTCTGCTGTCCGTGGCTTCCACGA[C>G]CTCCTTCTCCACTGGGCTGCTGGACCCCTGGCTGCCTTGGATTGGTCTGATGGAGGGCGA-3'
Protein context (NP_004647.1, residues 593-613): QGSSSPVEKE[Val603Leu]VEATDSREKT